The following is an entry in ClinVar:

ClinVar aggregate classification (germline): Uncertain significance (1 of 4 stars; one submission).

Submission:

Labcorp Genetics (formerly Invitae), Labcorp
Classification: Uncertain significance. Last evaluated: 2020-09-24. Review status: criteria provided, single submitter. Criteria: Invitae Variant Classification Sherloc (09022015). Collection method: clinical testing. Allele origin: germline.
Comment: In summary, the available evidence is currently insufficient to determine the role of this variant in disease. Therefore, it has been classified as a Variant of Uncertain Significance. Algorithms developed to predict the effect of missense changes on protein structure and function are either unavailable or do not agree on the potential impact of this missense change (SIFT: "Deleterious"; PolyPhen-2: "Benign"; Align-GVGD: "Class C0"). This variant has not been reported in the literature in individuals with CACNA1F-related conditions. This variant is not present in population databases (ExAC no frequency). This sequence change replaces threonine with isoleucine at codon 1234 of the CACNA1F protein (p.Thr1234Ile). The threonine residue is moderately conserved and there is a moderate physicochemical difference between threonine and isoleucine.

NM_001256789.3(CACNA1F):c.3668C>T (p.Thr1223Ile)

Gene: CACNA1F (calcium voltage-gated channel subunit alpha1 F; minus strand). Cytogenetic location: Xp11.23.
Variant type: single nucleotide variant.
Coding change: c.3668C>T on transcript NM_001256789.3 (MANE Select); coding-DNA position 3668, C replaced by T.
Protein change: p.Thr1223Ile; replaces threonine 1223 with isoleucine.
Molecular consequence: missense variant.
Genome position (GRCh38, 1-based): chrX:49,214,199, G>A on the plus strand (C>T on the coding strand, the complement: CACNA1F is on the minus strand). VCF-style: chrX-49214199-G-A. GRCh37 (hg19) VCF-style: chrX-49070659-G-A.
Other names: c.3506C>T, p.Thr1169Ile (NM_001256790.3); c.3701C>T, p.Thr1234Ile (NM_005183.4); short protein forms T1223I, T1169I, T1234I.
Identifiers: ClinVar variation 1039298 (VCV001039298.8), dbSNP rs1557106903, ClinGen allele CA412962836.